The following is an entry in ClinVar:

ClinVar aggregate classification (germline): Likely benign (1 of 4 stars; one submission).

Conditions:
Pheochromocytoma/paraganglioma syndrome 5. Also called: Paragangliomas 5; SDHA-Related Hereditary Paraganglioma-Pheochromocytoma Syndrome. Identifiers: Orphanet 29072, MedGen C3279992, MONDO:0013602, OMIM 614165.

Submission:

Myriad Genetics, Inc.
Classification: Likely benign for Pheochromocytoma/paraganglioma syndrome 5. Last evaluated: 2025-03-10. Review status: criteria provided, single submitter. Criteria: Myriad Autosomal Dominant, Autosomal Recessive and X-Linked Classification Criteria (2023). Collection method: clinical testing. Allele origin: unknown.
Comment: This variant is considered likely benign. This variant is intronic and is not expected to impact mRNA splicing.

NM_004168.4(SDHA):c.1261-8T>C

Gene: SDHA (succinate dehydrogenase complex flavoprotein subunit A; plus strand). Cytogenetic location: 5p15.33.
Variant type: single nucleotide variant.
Coding change: c.1261-8T>C on transcript NM_004168.4 (MANE Select); 8 bases into the intron before coding-DNA position 1261, T replaced by C.
Molecular consequence: intron variant.
Genome position (GRCh38, 1-based): chr5:236,420, T>C. VCF-style: chr5-236420-T-C. GRCh37 (hg19) VCF-style: chr5-236535-T-C.
Other names: c.1261-8T>C (NM_001330758.2); c.1117-8T>C (NM_001294332.2).
Identifiers: ClinVar variation 3904580 (VCV003904580.1).